The following is an entry in ClinVar:

NM_002890.3(RASA1):c.540-3del

Genes: CCNH (cyclin H; minus strand), RASA1 (RAS p21 protein activator 1; plus strand). Cytogenetic location: 5q14.3.
Variant type: Deletion.
Coding change: c.540-3del on transcript NM_002890.3 (MANE Select); 3 bases into the intron before coding-DNA position 540, one base deleted (T; older notation c.540-3delT).
Molecular consequence: intron variant.
Genome position (GRCh38, 1-based): chr5:87,331,345, T deleted. VCF-style (leftmost placement, unchanged base first): chr5-87331344-CT-C. GRCh37 (hg19) VCF-style: chr5-86627161-CT-C.
Other names: c.9-3del (NM_022650.3); c.934-18550del (NM_001364075.2).
Identifiers: ClinVar variation 3681848 (VCV003681848.2).

ClinVar aggregate classification (germline): Uncertain significance (1 of 4 stars; one submission).

Conditions:
Capillary malformation-arteriovenous malformation syndrome. Also called: Capillary malformation-arteriovenous malformation. Identifiers: Orphanet 137667, MedGen C1842180, MONDO:0012016.

Submission:

Labcorp Genetics (formerly Invitae), Labcorp
Classification: Uncertain significance for Capillary malformation-arteriovenous malformation syndrome. Last evaluated: 2025-12-24. Review status: criteria provided, single submitter. Criteria: Invitae Variant Classification Sherloc (09022015). Collection method: clinical testing. Allele origin: germline.
Comment: This sequence change falls in intron 1 of the RASA1 gene. It does not directly change the encoded amino acid sequence of the RASA1 protein. It affects a nucleotide within the consensus splice site. This variant is not present in population databases (gnomAD no frequency). This variant has not been reported in the literature in individuals affected with RASA1-related conditions. ClinVar contains an entry for this variant (Variation ID: 3681848). Variants that disrupt the consensus splice site are a relatively common cause of aberrant splicing (PMID: 17576681, 9536098). Algorithms developed to predict the effect of sequence changes on RNA splicing suggest that this variant is not likely to affect RNA splicing. In summary, the available evidence is currently insufficient to determine the role of this variant in disease. Therefore, it has been classified as a Variant of Uncertain Significance.

Literature cited by the submitters: PubMed 17576681; PubMed 9536098.